The following is an entry in ClinVar:

ClinVar aggregate classification (germline): Pathogenic (1 of 4 stars; one submission).

Conditions:
Neuronal ceroid lipofuscinosis. Also called: Neuronal Ceroid Lipofuscinoses. Identifiers: Orphanet 216, Orphanet 79263, MedGen C0027877, MONDO:0016295. Disease mechanism: loss of function.

Submission:

Labcorp Genetics (formerly Invitae), Labcorp
Classification: Pathogenic for Neuronal ceroid lipofuscinosis. Last evaluated: 2023-12-09. Review status: criteria provided, single submitter. Criteria: Invitae Variant Classification Sherloc (09022015). Collection method: clinical testing. Allele origin: germline.
Comment: This sequence change creates a premature translational stop signal (p.Glu64*) in the CTSD gene. It is expected to result in an absent or disrupted protein product. Loss-of-function variants in CTSD are known to be pathogenic (PMID: 16670177, 26059544). This variant is not present in population databases (gnomAD no frequency). This variant has not been reported in the literature in individuals affected with CTSD-related conditions. For these reasons, this variant has been classified as Pathogenic.

Literature cited by the submitters: PubMed 16670177; PubMed 26059544.

NM_001909.5(CTSD):c.190G>T (p.Glu64Ter)

Genes: CTSD (cathepsin D; minus strand), PRADX (PRC2 and DDX5 associated lncRNA; plus strand). Cytogenetic location: 11p15.5.
Variant type: single nucleotide variant.
Coding change: c.190G>T on transcript NM_001909.5 (MANE Select); coding-DNA position 190, G replaced by T.
Protein change: p.Glu64Ter; replaces glutamic acid 64 with a stop codon.
Molecular consequence: nonsense. On other transcripts: non-coding transcript variant (1).
Genome position (GRCh38, 1-based): chr11:1,761,347, C>A on the plus strand (G>T on the coding strand, the complement: CTSD is on the minus strand). VCF-style: chr11-1761347-C-A. GRCh37 (hg19) VCF-style: chr11-1782577-C-A.
Other names: short protein forms E64*.
Identifiers: ClinVar variation 2701881 (VCV002701881.3), dbSNP rs539823013, ClinGen allele CA379099505.